The following is an entry in ClinVar:

ClinVar aggregate classification (germline): Uncertain significance (1 of 4 stars; one submission).

Submission:

Labcorp Genetics (formerly Invitae), Labcorp
Classification: Uncertain significance. Last evaluated: 2023-12-27. Review status: criteria provided, single submitter. Criteria: Invitae Variant Classification Sherloc (09022015). Collection method: clinical testing. Allele origin: germline.
Comment: This sequence change creates a premature translational stop signal (p.Pro1976Thrfs*7) in the SCN3A gene. While this is not anticipated to result in nonsense mediated decay, it is expected to disrupt the last 25 amino acid(s) of the SCN3A protein. This variant is not present in population databases (gnomAD no frequency). This variant has not been reported in the literature in individuals affected with SCN3A-related conditions. In summary, the available evidence is currently insufficient to determine the role of this variant in disease. Therefore, it has been classified as a Variant of Uncertain Significance.

NM_006922.4(SCN3A):c.5925dup (p.Pro1976fs)

Gene: SCN3A (sodium voltage-gated channel alpha subunit 3; minus strand). Cytogenetic location: 2q24.3.
Variant type: Duplication.
Coding change: c.5925dup on transcript NM_006922.4 (MANE Select); coding-DNA position 5925, one base duplicated (A; older notation c.5925dupA).
Protein change: p.Pro1976fs; shifts the reading frame from proline 1976.
Molecular consequence: frameshift variant.
Genome position (GRCh38, 1-based): chr2:165,090,228, T duplicated on the plus strand (A on the coding strand, the reverse complement: SCN3A is on the minus strand); the first of 4 consecutive T bases (chr2:165,090,228-165,090,231); duplicating any one gives the same sequence. VCF-style (leftmost placement, unchanged base first): chr2-165090227-G-GT. GRCh37 (hg19) VCF-style: chr2-165946737-G-GT.
Other names: c.5778dup, p.Pro1927fs (NM_001081677.2, NM_001081676.2); short protein forms P1927fs, P1976fs.
Identifiers: ClinVar variation 2777605 (VCV002777605.3), dbSNP rs2468035476, ClinGen allele CA913089355.